The following is an entry in ClinVar:

ClinVar aggregate classification (germline): Pathogenic (1 of 4 stars; one submission).

Conditions:
Congenital disorder of deglycosylation (CDDG). Identifiers: MedGen C3808991, MONDO:0031376.

Submission:

Labcorp Genetics (formerly Invitae), Labcorp
Classification: Pathogenic for Congenital disorder of deglycosylation. Last evaluated: 2023-10-04. Review status: criteria provided, single submitter. Criteria: Invitae Variant Classification Sherloc (09022015). Collection method: clinical testing. Allele origin: germline.
Comment: This sequence change creates a premature translational stop signal (p.Tyr504*) in the NGLY1 gene. It is expected to result in an absent or disrupted protein product. Loss-of-function variants in NGLY1 are known to be pathogenic (PMID: 24651605). This variant is not present in population databases (gnomAD no frequency). This variant has not been reported in the literature in individuals affected with NGLY1-related conditions. Algorithms developed to predict the effect of sequence changes on RNA splicing suggest that this variant may disrupt the consensus splice site. For these reasons, this variant has been classified as Pathogenic.

Literature cited by the submitters: PubMed 24651605.

NM_018297.4(NGLY1):c.1512T>A (p.Tyr504Ter)

Gene: NGLY1 (N-glycanase 1; minus strand). Cytogenetic location: 3p24.2.
Variant type: single nucleotide variant.
Coding change: c.1512T>A on transcript NM_018297.4 (MANE Select); coding-DNA position 1512, T replaced by A.
Protein change: p.Tyr504Ter; replaces tyrosine 504 with a stop codon.
Molecular consequence: nonsense.
Genome position (GRCh38, 1-based): chr3:25,729,232, A>T on the plus strand (T>A on the coding strand, the complement: NGLY1 is on the minus strand). VCF-style: chr3-25729232-A-T. GRCh37 (hg19) VCF-style: chr3-25770723-A-T.
Other names: c.1458T>A, p.Tyr486Ter (NM_001145293.2); c.1386T>A, p.Tyr462Ter (NM_001145294.2); c.1512T>A, p.Tyr504Ter (NM_001145295.2); short protein forms Y504*, Y462*, Y486*.
Identifiers: ClinVar variation 2903550 (VCV002903550.3), dbSNP rs1211534165, ClinGen allele CA351896739.